The following is an entry in ClinVar:

NM_001430.5(EPAS1):c.2498C>T (p.Ser833Phe)

Gene: EPAS1 (endothelial PAS domain protein 1; plus strand). Cytogenetic location: 2p21.
Variant type: single nucleotide variant.
Coding change: c.2498C>T on transcript NM_001430.5 (MANE Select); coding-DNA position 2498, C replaced by T.
Protein change: p.Ser833Phe; replaces serine 833 with phenylalanine.
Molecular consequence: missense variant.
Genome position (GRCh38, 1-based): chr2:46,384,545, C>T. VCF-style: chr2-46384545-C-T. GRCh37 (hg19) VCF-style: chr2-46611684-C-T.
Other names: short protein forms S833F.
Identifiers: ClinVar variation 3508995 (VCV003508995.1).

ClinVar aggregate classification (germline): Uncertain significance (1 of 4 stars; one submission).

Conditions:
Inborn genetic diseases. Identifiers: MedGen C0950123, MeSH D030342.

Submission:

Ambry Genetics
Classification: Uncertain significance for Inborn genetic diseases. Last evaluated: 2024-10-04. Review status: criteria provided, single submitter. Criteria: Ambry Variant Classification Scheme 2023. Collection method: clinical testing. Allele origin: germline.
Comment: The p.S833F variant (also known as c.2498C>T), located in coding exon 16 of the EPAS1 gene, results from a C to T substitution at nucleotide position 2498. The serine at codon 833 is replaced by phenylalanine, an amino acid with highly dissimilar properties. This amino acid position is conserved. In addition, this alteration is predicted to be tolerated by in silico analysis. Based on the available evidence, the clinical significance of this variant remains unclear.